The following is an entry in ClinVar:

ClinVar aggregate classification (germline): Uncertain significance (1 of 4 stars; one submission).

Allele frequency attached by ClinVar (database versions not stated): gnomAD 0.00005; 1000 Genomes Project 30x 0.00016; 1000 Genomes Project 0.00020.
gnomAD v4.1: 91 of 1,598,866 alleles (0.0057%); highest among the groups gnomAD compares: Middle Eastern, 0.021%; no homozygotes.

Submission:

Labcorp Genetics (formerly Invitae), Labcorp
Classification: Uncertain significance. Last evaluated: 2025-10-23. Review status: criteria provided, single submitter. Criteria: Invitae Variant Classification Sherloc (09022015). Collection method: clinical testing. Allele origin: germline.
Comment: This sequence change affects codon 256 of the FAR1 mRNA. It is a 'silent' change, meaning that it does not change the encoded amino acid sequence of the FAR1 protein. This variant also falls at the last nucleotide of exon 6, which is part of the consensus splice site for this exon. This variant is present in population databases (rs199571176, gnomAD 0.01%). This variant has not been reported in the literature in individuals affected with FAR1-related conditions. ClinVar contains an entry for this variant (Variation ID: 1409041). Variants that disrupt the consensus splice site are a relatively common cause of aberrant splicing (PMID: 17576681, 9536098). Algorithms developed to predict the effect of sequence changes on RNA splicing suggest that this variant is not likely to affect RNA splicing. In summary, the available evidence is currently insufficient to determine the role of this variant in disease. Therefore, it has been classified as a Variant of Uncertain Significance.

Literature cited by the submitters: PubMed 17576681; PubMed 9536098.

NM_032228.6(FAR1):c.768G>A (p.Ala256=)

Gene: FAR1 (fatty acyl-CoA reductase 1; plus strand). Cytogenetic location: 11p15.3.
Variant type: single nucleotide variant.
Coding change: c.768G>A on transcript NM_032228.6 (MANE Select); coding-DNA position 768, G replaced by A.
Protein change: p.Ala256=; no amino-acid change (alanine 256 retained).
Molecular consequence: synonymous variant.
Genome position (GRCh38, 1-based): chr11:13,711,808, G>A. VCF-style: chr11-13711808-G-A. GRCh37 (hg19) VCF-style: chr11-13733355-G-A.
Identifiers: ClinVar variation 1409041 (VCV001409041.6), dbSNP rs199571176, ClinGen allele CA5893377.